The following is an entry in ClinVar:

NM_004859.4(CLTC):c.1745C>T (p.Thr582Met)

Gene: CLTC (clathrin heavy chain; plus strand). Cytogenetic location: 17q23.1.
Variant type: single nucleotide variant.
Coding change: c.1745C>T on transcript NM_004859.4 (MANE Select); coding-DNA position 1745, C replaced by T.
Protein change: p.Thr582Met; replaces threonine 582 with methionine.
Molecular consequence: missense variant.
Genome position (GRCh38, 1-based): chr17:59,666,203, C>T. VCF-style: chr17-59666203-C-T. GRCh37 (hg19) VCF-style: chr17-57743564-C-T.
Other names: c.1757C>T, p.Thr586Met (NM_001288653.2); short protein forms T582M, T586M.
Identifiers: ClinVar variation 1898989 (VCV001898989.6), dbSNP rs760880148, ClinGen allele CA8681280.
Genomic context (GRCh38, chr17:59,666,203, plus strand): 5'-GTACTGCATTCTTGCTTGATGCTCTGAAGAATAATCGCCCATCTGAAGGTCCTTTACAGA[C>T]GCGGTTACTTGAGATGAACCTTATGCATGCGCCTCAAGTATGTGTTTTAATGCTTTTTAG-3'
Protein context (NP_004850.1, residues 572-592): NNRPSEGPLQ[Thr582Met]RLLEMNLMHA

ClinVar aggregate classification (germline): Conflicting classifications of pathogenicity. Review status: criteria provided, conflicting classifications (1 of 4 stars). 2 submissions from 2 submitters: Likely pathogenic (1); Uncertain significance (1). Last evaluated 2025-07-09.

Conditions:
Intellectual developmental disorder, autosomal dominant 56. Also called: MENTAL RETARDATION, AUTOSOMAL DOMINANT 56; Intellectual disability, autosomal dominant 56. Identifiers: MedGen C4693389, MONDO:0030922, OMIM 617854.

Allele frequency attached by ClinVar (database versions not stated): TOPMed 0.00002; gnomAD exomes 0.00001; ExAC 0.00002; gnomAD 0.00002.
gnomAD v4.1: 16 of 1,613,880 alleles (0.00099%); highest among the groups gnomAD compares: African/African-American, 0.0013%; no homozygotes.

Submissions (2):

Labcorp Genetics (formerly Invitae), Labcorp
Classification: Uncertain significance. Last evaluated: 2025-07-09. Review status: criteria provided, single submitter. Criteria: Invitae Variant Classification Sherloc (09022015). Collection method: clinical testing. Allele origin: germline.
Comment: This sequence change replaces threonine, which is neutral and polar, with methionine, which is neutral and non-polar, at codon 586 of the CLTC protein (p.Thr586Met). This variant is present in population databases (rs760880148, gnomAD 0.02%). This variant has not been reported in the literature in individuals affected with CLTC-related conditions. ClinVar contains an entry for this variant (Variation ID: 1898989). Invitae Evidence Modeling of protein sequence and biophysical properties (such as structural, functional, and spatial information, amino acid conservation, physicochemical variation, residue mobility, and thermodynamic stability) indicates that this missense variant is expected to disrupt CLTC protein function with a positive predictive value of 80%. In summary, the available evidence is currently insufficient to determine the role of this variant in disease. Therefore, it has been classified as a Variant of Uncertain Significance.

Institute of Human Genetics Munich, TUM University Hospital
Classification: Likely pathogenic for Intellectual developmental disorder, autosomal dominant 56. Last evaluated: 2023-01-26. Review status: criteria provided, single submitter. Criteria: Classification criteria August 2017. Collection method: clinical testing. Allele origin: de novo. Inheritance: Autosomal dominant inheritance. Affected: yes. Observed: 1 variant allele.